The following is an entry in ClinVar:

NM_000260.4(MYO7A):c.3634C>G (p.Leu1212Val)

Gene: MYO7A (myosin VIIA; plus strand). Cytogenetic location: 11q13.5.
Variant type: single nucleotide variant.
Coding change: c.3634C>G on transcript NM_000260.4 (MANE Select); coding-DNA position 3634, C replaced by G.
Protein change: p.Leu1212Val; replaces leucine 1212 with valine.
Molecular consequence: missense variant.
Genome position (GRCh38, 1-based): chr11:77,190,023, C>G. VCF-style: chr11-77190023-C-G. GRCh37 (hg19) VCF-style: chr11-76901068-C-G.
Other names: c.3634C>G, p.Leu1212Val (NM_001127180.2); c.3601C>G, p.Leu1201Val (NM_001369365.1); short protein forms L1201V, L1212V.
Identifiers: ClinVar variation 2198719 (VCV002198719.2), dbSNP rs1423576928, ClinGen allele CA381947113.

ClinVar aggregate classification (germline): Uncertain significance. Review status: criteria provided, multiple submitters, no conflicts (2 of 4 stars). 2 submissions from 2 submitters: Uncertain significance (2). Last evaluated 2022-07-19.

Allele frequency attached by ClinVar (database versions not stated): gnomAD exomes below 0.00001.
gnomAD v4.1: 6 of 1,548,800 alleles (0.00039%); highest among the groups gnomAD compares: East Asian, 0.012%; no homozygotes.

Submissions (2):

Labcorp Genetics (formerly Invitae), Labcorp
Classification: Uncertain significance. Last evaluated: 2022-07-19. Review status: criteria provided, single submitter. Criteria: Invitae Variant Classification Sherloc (09022015). Collection method: clinical testing. Allele origin: germline.
Comment: This sequence change replaces leucine, which is neutral and non-polar, with valine, which is neutral and non-polar, at codon 1212 of the MYO7A protein (p.Leu1212Val). This variant is present in population databases (no rsID available, gnomAD 0.04%). This variant has not been reported in the literature in individuals affected with MYO7A-related conditions. Advanced modeling of protein sequence and biophysical properties (such as structural, functional, and spatial information, amino acid conservation, physicochemical variation, residue mobility, and thermodynamic stability) performed at Invitae indicates that this missense variant is expected to disrupt MYO7A protein function. Algorithms developed to predict the effect of sequence changes on RNA splicing suggest that this variant may create or strengthen a splice site. In summary, the available evidence is currently insufficient to determine the role of this variant in disease. Therefore, it has been classified as a Variant of Uncertain Significance.

Blueprint Genetics
Classification: Uncertain significance. Last evaluated: 2019-12-05. Review status: criteria provided, single submitter. Criteria: ACMG Guidelines, 2015. Collection method: clinical testing. Allele origin: germline.